The following is an entry in ClinVar:

ClinVar aggregate classification (germline): Uncertain significance (1 of 4 stars; one submission).

Submission:

Labcorp Genetics (formerly Invitae), Labcorp
Classification: Uncertain significance. Last evaluated: 2024-05-28. Review status: criteria provided, single submitter. Criteria: Invitae Variant Classification Sherloc (09022015). Collection method: clinical testing. Allele origin: germline.
Comment: This sequence change affects a donor splice site in intron 3 of the ZCCHC8 gene. It is expected to disrupt RNA splicing. Variants that disrupt the donor or acceptor splice site typically lead to a loss of protein function (PMID: 16199547), however the current clinical and genetic evidence is not sufficient to establish whether loss-of-function variants in ZCCHC8 cause disease. This variant is not present in population databases (gnomAD no frequency). This variant has not been reported in the literature in individuals affected with ZCCHC8-related conditions. Algorithms developed to predict the effect of sequence changes on RNA splicing suggest that this variant may disrupt the consensus splice site. In summary, the available evidence is currently insufficient to determine the role of this variant in disease. Therefore, it has been classified as a Variant of Uncertain Significance.

Literature cited by the submitters: PubMed 16199547.

NM_017612.5(ZCCHC8):c.317+2T>G

Gene: ZCCHC8 (zinc finger CCHC-type containing 8; minus strand). Cytogenetic location: 12q24.31.
Variant type: single nucleotide variant.
Coding change: c.317+2T>G on transcript NM_017612.5 (MANE Select); the canonical splice donor site of the intron after coding-DNA position 317, T replaced by G.
Molecular consequence: splice donor variant.
Genome position (GRCh38, 1-based): chr12:122,492,713, A>C on the plus strand (T>G on the coding strand, the complement: ZCCHC8 is on the minus strand). VCF-style: chr12-122492713-A-C. GRCh37 (hg19) VCF-style: chr12-122977260-A-C.
Other names: c.-122+2T>G (NM_001350938.2); c.317+2T>G (NM_001350935.2); c.-228+2T>G (NM_001350937.2); c.20+2T>G (NM_001350936.2).
Identifiers: ClinVar variation 3679639 (VCV003679639.2).
Genomic context (GRCh38, chr12:122,492,713, plus strand): 5'-TTATAGAGAAAATTGTTCCATAAACACATTATTATATTTAGGAAAGGGAAAAAATTACTT[A>C]CTTTGAAATAGCATTGTTCATGAATAGAATCTGTAATATAGGTCCATCTAACTTAGTATC-3'